The following is an entry in ClinVar:

NM_001555.5(IGSF1):c.2175del (p.Gln725fs)

Gene: IGSF1 (immunoglobulin superfamily member 1; minus strand). Cytogenetic location: Xq26.1.
Variant type: Deletion.
Coding change: c.2175del on transcript NM_001555.5 (MANE Select); coding-DNA position 2175, one base deleted (A; older notation c.2175delA).
Protein change: p.Gln725fs; shifts the reading frame from glutamine 725.
Molecular consequence: frameshift variant.
Genome position (GRCh38, 1-based): chrX:131,278,001, T deleted on the plus strand (A on the coding strand, the reverse complement: IGSF1 is on the minus strand); the first of 2 consecutive T bases (chrX:131,278,001-131,278,002); deleting either gives the same sequence. VCF-style (leftmost placement, unchanged base first): chrX-131278000-GT-G. GRCh37 (hg19) VCF-style: chrX-130411974-GT-G.
Other names: c.2190del, p.Gln730fs (NM_001170961.2); c.2148del, p.Gln716fs (NM_001170962.2); short protein forms Q716fs, Q725fs, Q730fs.
Identifiers: ClinVar variation 4037877 (VCV004037877.1).

ClinVar aggregate classification (germline): Pathogenic (1 of 4 stars; one submission).

Conditions:
Inborn genetic diseases. Identifiers: MedGen C0950123, MeSH D030342.

Submission:

Ambry Genetics
Classification: Pathogenic for Inborn genetic diseases. Last evaluated: 2025-06-10. Review status: criteria provided, single submitter. Criteria: Ambry Variant Classification Scheme 2023. Collection method: clinical testing. Allele origin: germline.
Comment: The c.2190delA (p.Q730Hfs*48) alteration, located in exon 13 (coding exon 12) of the IGSF1 gene, consists of a deletion of one nucleotide at position 2190, causing a translational frameshift with a predicted alternate stop codon after 48 amino acids. This alteration is expected to result in loss of function by premature protein truncation or nonsense-mediated mRNA decay. This variant was not reported in population-based cohorts in the Genome Aggregation Database (gnomAD). Based on the available evidence, this alteration is classified as pathogenic.